The following is an entry in ClinVar:

ClinVar aggregate classification (germline): Likely benign (0 of 4 stars; one submission).

Conditions:
SLITRK6-related disorder. Also called: SLITRK6-related condition.

Allele frequency attached by ClinVar (database versions not stated): gnomAD exomes 0.00001; TOPMed 0.00003.

Submission:

PreventionGenetics, part of Exact Sciences
Classification: Likely benign for SLITRK6-related condition. Last evaluated: 2024-01-04. Review status: no assertion criteria provided. Collection method: clinical testing. Allele origin: germline.
Comment: This variant is classified as likely benign based on ACMG/AMP sequence variant interpretation guidelines (Richards et al. 2015 PMID: 25741868, with internal and published modifications).

NM_032229.3(SLITRK6):c.1218G>A (p.Ser406=)

Gene: SLITRK6 (SLIT and NTRK like family member 6; minus strand). Cytogenetic location: 13q31.1.
Variant type: single nucleotide variant.
Coding change: c.1218G>A on transcript NM_032229.3 (MANE Select); coding-DNA position 1218, G replaced by A.
Protein change: p.Ser406=; no amino-acid change (serine 406 retained).
Molecular consequence: synonymous variant.
Genome position (GRCh38, 1-based): chr13:85,795,291, C>T on the plus strand (G>A on the coding strand, the complement: SLITRK6 is on the minus strand). VCF-style: chr13-85795291-C-T. GRCh37 (hg19) VCF-style: chr13-86369426-C-T.
Identifiers: ClinVar variation 3032653 (VCV003032653.2), dbSNP rs920496139, ClinGen allele CA253125137.